The following is an entry in ClinVar:

ClinVar aggregate classification (germline): Uncertain significance. Review status: criteria provided, multiple submitters, no conflicts (2 of 4 stars). 2 submissions from 2 submitters: Uncertain significance (2). Last evaluated 2026-08-06.

Conditions:
Inborn genetic diseases. Identifiers: MedGen C0950123, MeSH D030342.
Neurodevelopmental disorder with coarse facies and mild distal skeletal abnormalities. Also called: STOLERMAN NEURODEVELOPMENTAL SYNDROME. Identifiers: MedGen C5193134, MONDO:0032790, OMIM 618505.

gnomAD v4.1: 2 of 1,614,164 alleles (0.00012%); highest among the groups gnomAD compares: African/African-American, 0.0013%; no homozygotes.

Submissions (2):

OLLIN Analises Genomicas, OLLIN
Classification: Uncertain significance for Neurodevelopmental disorder with coarse facies and mild distal skeletal abnormalities. Last evaluated: 2026-08-06. Review status: criteria provided, single submitter. Criteria: ACMG Guidelines 2015 PMID 25741868. Collection method: clinical testing. Allele origin: germline. Inheritance: Autosomal dominant inheritance.
Comment: This missense variant, located in exon 5 (of 24), has been reported in ClinVar (accession VCV003863536.1) and in gnomAD with an allele frequency of 0.00012%. However, to our knowledge, it has not been reported in the scientific literature. In silico analysis predicts that this variant has a tolerated effect. According to the currently available evidence, this variant has been classified as uncertain significance (PM2_P, BP4_M).

Ambry Genetics
Classification: Uncertain significance for Inborn genetic diseases. Last evaluated: 2024-12-30. Review status: criteria provided, single submitter. Criteria: Ambry Variant Classification Scheme 2023. Collection method: clinical testing. Allele origin: germline.

NM_001348716.2(KDM6B):c.20C>T (p.Pro7Leu)

Gene: KDM6B (lysine demethylase 6B; plus strand). Cytogenetic location: 17p13.1.
Variant type: single nucleotide variant.
Coding change: c.20C>T on transcript NM_001348716.2 (MANE Select); coding-DNA position 20, C replaced by T.
Protein change: p.Pro7Leu; replaces proline 7 with leucine.
Molecular consequence: missense variant.
Genome position (GRCh38, 1-based): chr17:7,845,574, C>T. VCF-style: chr17-7845574-C-T. GRCh37 (hg19) VCF-style: chr17-7748892-C-T.
Other names: c.20C>T, p.Pro7Leu (NM_001080424.2); short protein forms P7L.
Identifiers: ClinVar variation 3863536 (VCV003863536.2).